The following is an entry in ClinVar:

ClinVar aggregate classification (germline): Likely pathogenic. Review status: criteria provided, multiple submitters, no conflicts (2 of 4 stars). 2 submissions from 2 submitters: Likely pathogenic (2). Last evaluated 2019-05-28.

Conditions:
Developmental and epileptic encephalopathy, 13 (DEE13). Also called: Early infantile epileptic encephalopathy 13; SCN8A-Related Epilepsy; Developmental and Epileptic Encephalopathy (SCN8A-DEE). Identifiers: Orphanet 442835, MedGen C3281191, MONDO:0013801, OMIM 614558.
Inborn genetic diseases. Identifiers: MedGen C0950123, MeSH D030342.

Submissions (2):

Mendelics
Classification: Likely pathogenic for Developmental and epileptic encephalopathy, 13. Last evaluated: 2019-05-28. Review status: criteria provided, single submitter. Criteria: Mendelics Assertion Criteria 2017. Collection method: clinical testing. Allele origin: unknown.

Ambry Genetics
Classification: Likely pathogenic for Inborn genetic diseases. Last evaluated: 2017-06-28. Review status: criteria provided, single submitter. Criteria: Ambry Variant Classification Scheme 2023. Collection method: clinical testing. Allele origin: germline.
Comment: The p.M1760T variant (also known as c.5279T>C), located in coding exon 26 of the SCN8A gene, results from a T to C substitution at nucleotide position 5279. The methionine at codon 1760 is replaced by threonine, an amino acid with similar properties. This variant has been determined to be the result of a de novo mutation or germline mosaicism in one family with an isolated case of SCN8A-related neurodevelopmental disorder (Ambry internal data). This variant is located in an functionally critical position (Wu J et al. Science, 2015 Dec;350:aad2395; Veeramah KR et al. Am. J. Hum. Genet., 2012 Mar;90:502-10; Ambry internal data). This amino acid position is highly conserved in available vertebrate species. In addition, this alteration is predicted to be deleterious by in silico analysis. Based on the majority of available evidence to date, this variant is likely to be pathogenic.

Literature cited by the submitters: PubMed 22365152 (cited by Ambry Genetics); PubMed 26680202 (cited by Ambry Genetics).

NM_001330260.2(SCN8A):c.5279T>C (p.Met1760Thr)

Gene: SCN8A (sodium voltage-gated channel alpha subunit 8; plus strand). Cytogenetic location: 12q13.13.
Variant type: single nucleotide variant.
Coding change: c.5279T>C on transcript NM_001330260.2 (MANE Select); coding-DNA position 5279, T replaced by C.
Protein change: p.Met1760Thr; replaces methionine 1760 with threonine.
Molecular consequence: missense variant.
Genome position (GRCh38, 1-based): chr12:51,806,765, T>C. VCF-style: chr12-51806765-T-C. GRCh37 (hg19) VCF-style: chr12-52200549-T-C.
Other names: c.5156T>C, p.Met1719Thr (NM_001177984.3, NM_001369788.1); c.5279T>C, p.Met1760Thr (NM_014191.4); short protein forms M1760T, M1719T.
Identifiers: ClinVar variation 521651 (VCV000521651.9), dbSNP rs1555231012, ClinGen allele CA384885161.